The following is an entry in ClinVar:

NM_007078.3(LDB3):c.897-7T>A

Gene: LDB3 (LIM domain binding 3; plus strand). Cytogenetic location: 10q23.2.
Variant type: single nucleotide variant.
Coding change: c.897-7T>A on transcript NM_007078.3 (MANE Select); 7 bases into the intron before coding-DNA position 897, T replaced by A.
Molecular consequence: intron variant.
Genome position (GRCh38, 1-based): chr10:86,706,524, T>A. VCF-style: chr10-86706524-T-A. GRCh37 (hg19) VCF-style: chr10-88466281-T-A.
Other names: c.897-3381T>A (NM_001368064.1, NM_001368065.1); c.1101-3381T>A (NM_001171610.2); c.756-7T>A (NM_001368066.1); c.756-3381T>A (NM_001080114.2).
Identifiers: ClinVar variation 1040955 (VCV001040955.7), dbSNP rs1846448550, ClinGen allele CA1925620853.

ClinVar aggregate classification (germline): Uncertain significance (1 of 4 stars; one submission).

Conditions:
Myofibrillar myopathy 4. Also called: Zaspopathy (type). Identifiers: Orphanet 98912, MedGen C4721886, MONDO:0012277, OMIM 609452.

Submission:

Labcorp Genetics (formerly Invitae), Labcorp
Classification: Uncertain significance for Myofibrillar myopathy 4. Last evaluated: 2023-06-02. Review status: criteria provided, single submitter. Criteria: Invitae Variant Classification Sherloc (09022015). Collection method: clinical testing. Allele origin: germline.
Comment: This sequence change falls in intron 7 of the LDB3 gene. It does not directly change the encoded amino acid sequence of the LDB3 protein. In summary, the available evidence is currently insufficient to determine the role of this variant in disease. Therefore, it has been classified as a Variant of Uncertain Significance. This variant has not been reported in the literature in individuals affected with LDB3-related conditions. This variant is not present in population databases (gnomAD no frequency). The LDB3 gene has multiple clinically relevant transcripts. This variant occurs in alternate transcript NM_007078.3, and corresponds to NM_001080116.1:c.*7150T>A in the primary transcript.